The following is an entry in ClinVar:

NM_005732.4(RAD50):c.212A>T (p.Lys71Met)

Gene: RAD50 (RAD50 double strand break repair protein; plus strand). Cytogenetic location: 5q31.1.
Variant type: single nucleotide variant.
Coding change: c.212A>T on transcript NM_005732.4 (MANE Select); coding-DNA position 212, A replaced by T.
Protein change: p.Lys71Met; replaces lysine 71 with methionine.
Molecular consequence: missense variant.
Genome position (GRCh38, 1-based): chr5:132,559,366, A>T. VCF-style: chr5-132559366-A-T. GRCh37 (hg19) VCF-style: chr5-131895058-A-T.
Other names: short protein forms K71M.
Identifiers: ClinVar variation 939132 (VCV000939132.11), dbSNP rs1060501940, ClinGen allele CA360953867.

ClinVar aggregate classification (germline): Uncertain significance. Review status: criteria provided, multiple submitters, no conflicts (2 of 4 stars). 2 submissions from 2 submitters: Uncertain significance (2). Last evaluated 2024-07-26.

Conditions:
Hereditary cancer-predisposing syndrome. Also called: Hereditary neoplastic syndrome; Neoplastic Syndromes, Hereditary; Tumor predisposition; Hereditary Cancer Syndrome. Identifiers: Orphanet 140162, MedGen C0027672, MeSH D009386, MONDO:0015356.

gnomAD v4.1: 7 of 1,607,788 alleles (0.00044%); highest among the groups gnomAD compares: Non-Finnish European, 0.00059%; no homozygotes.

Submissions (2):

Ambry Genetics
Classification: Uncertain significance for Hereditary cancer-predisposing syndrome. Last evaluated: 2024-07-26. Review status: criteria provided, single submitter. Criteria: Ambry Variant Classification Scheme 2023. Collection method: clinical testing. Allele origin: germline.
Comment: The p.K71M variant (also known as c.212A>T), located in coding exon 2 of the RAD50 gene, results from an A to T substitution at nucleotide position 212. The lysine at codon 71 is replaced by methionine, an amino acid with similar properties. This amino acid position is conserved. In addition, this alteration is predicted to be tolerated by in silico analysis. Based on the available evidence, the clinical significance of this variant remains unclear.

Labcorp Genetics (formerly Invitae), Labcorp
Classification: Uncertain significance for Hereditary cancer-predisposing syndrome. Last evaluated: 2020-11-16. Review status: criteria provided, single submitter. Criteria: Invitae Variant Classification Sherloc (09022015). Collection method: clinical testing. Allele origin: germline.
Comment: This variant is not present in population databases (ExAC no frequency). This variant has not been reported in the literature in individuals with RAD50-related conditions. Algorithms developed to predict the effect of missense changes on protein structure and function are either unavailable or do not agree on the potential impact of this missense change (SIFT: "Deleterious"; PolyPhen-2: "Probably Damaging"; Align-GVGD: "Class C15"). Algorithms developed to predict the effect of sequence changes on RNA splicing suggest that this variant may disrupt the consensus splice site, but this prediction has not been confirmed by published transcriptional studies. In summary, the available evidence is currently insufficient to determine the role of this variant in disease. Therefore, it has been classified as a Variant of Uncertain Significance. This sequence change replaces lysine with methionine at codon 71 of the RAD50 protein (p.Lys71Met). The lysine residue is highly conserved and there is a moderate physicochemical difference between lysine and methionine.